The following is an entry in ClinVar:

ClinVar aggregate classification (germline): Uncertain significance (1 of 4 stars; one submission).

Conditions:
ADCY5-related disorder. Also called: ADCY5-related condition.

Submission:

PreventionGenetics, part of Exact Sciences
Classification: Uncertain significance for ADCY5-related condition. Last evaluated: 2025-04-10. Review status: criteria provided, single submitter. Criteria: ACMG Guidelines, 2015. Collection method: clinical testing. Allele origin: germline.
Comment: The ADCY5 c.2170A>G variant is predicted to result in the amino acid substitution p.Ile724Val. To our knowledge, this variant has not been reported in the literature or in a large population database (gnomAD), indicating this variant is rare. At this time, the clinical significance of this variant is uncertain due to the absence of conclusive functional and genetic evidence.

NM_183357.3(ADCY5):c.2170A>G (p.Ile724Val)

Gene: ADCY5 (adenylate cyclase 5; minus strand). Cytogenetic location: 3q21.1.
Variant type: single nucleotide variant.
Coding change: c.2170A>G on transcript NM_183357.3 (MANE Select); coding-DNA position 2170, A replaced by G.
Protein change: p.Ile724Val; replaces isoleucine 724 with valine.
Molecular consequence: missense variant.
Genome position (GRCh38, 1-based): chr3:123,319,760, T>C on the plus strand (A>G on the coding strand, the complement: ADCY5 is on the minus strand). VCF-style: chr3-123319760-T-C. GRCh37 (hg19) VCF-style: chr3-123038607-T-C.
Other names: c.1120A>G, p.Ile374Val (NM_001199642.1); c.2170A>G, p.Ile724Val (NM_001378259.1); short protein forms I374V, I724V.
Identifiers: ClinVar variation 5002231 (VCV005002231.1).